The following is an entry in ClinVar:

NM_001024630.4(RUNX2):c.*1448C>T

Gene: RUNX2 (RUNX family transcription factor 2; plus strand). Cytogenetic location: 6p21.1.
Variant type: single nucleotide variant.
Coding change: c.*1448C>T on transcript NM_001024630.4 (MANE Select); 1448 bases downstream of the stop codon, C replaced by T.
Molecular consequence: 3 prime UTR variant.
Genome position (GRCh38, 1-based): chr6:45,548,753, C>T. VCF-style: chr6-45548753-C-T. GRCh37 (hg19) VCF-style: chr6-45516490-C-T.
Other names: c.*1448C>T (NM_001015051.4, NM_001278478.2, NM_001369405.1).
Identifiers: ClinVar variation 357113 (VCV000357113.5), dbSNP rs77856760, ClinGen allele CA10622245.

ClinVar aggregate classification (germline): Benign (1 of 4 stars; one submission).

Conditions:
Cleidocranial dysostosis (CLCD1). Also called: cleidocranial dysplasia 1; Marie-Sainton disease; Cleidocranial Dysplasia Spectrum Disorder. Identifiers: Orphanet 1452, MedGen C0008928, MONDO:0007340, OMIM 119600.

Allele frequency attached by ClinVar (database versions not stated): gnomAD exomes 0.00198; gnomAD 0.00770 and 0.00828; TOPMed 0.00913; 1000 Genomes Project 0.00998; 1000 Genomes Project 30x 0.01093.
gnomAD v4.1: 1,203 of 171,818 alleles (0.7%); highest among the groups gnomAD compares: African/African-American, 2.6%; 14 homozygotes.

Submission:

Illumina Laboratory Services, Illumina
Classification: Benign for Cleidocranial dysostosis. Last evaluated: 2018-01-12. Review status: criteria provided, single submitter. Criteria: ICSL Variant Classification Criteria 13 December 2019. Collection method: clinical testing. Allele origin: germline.
Comment: This variant was observed in the ICSL laboratory as part of a predisposition screen in an ostensibly healthy population. It had not been previously curated by ICSL or reported in the Human Gene Mutation Database (HGMD: prior to June 1st, 2018), and was therefore a candidate for classification through an automated scoring system. Utilizing variant allele frequency, disease prevalence and penetrance estimates, and inheritance mode, an automated score was calculated to assess if this variant is too frequent to cause the disease. Based on the score and internal cut-off values, a variant classified as benign is not then subjected to further curation. The score for this variant resulted in a classification of benign for this disease.